The following is an entry in ClinVar:

NM_000030.3(AGXT):c.28C>G (p.Pro10Ala)

Gene: AGXT (alanine--glyoxylate aminotransferase; plus strand). Cytogenetic location: 2q37.3.
Variant type: single nucleotide variant.
Coding change: c.28C>G on transcript NM_000030.3 (MANE Select); coding-DNA position 28, C replaced by G.
Protein change: p.Pro10Ala; replaces proline 10 with alanine.
Molecular consequence: missense variant.
Genome position (GRCh38, 1-based): chr2:240,868,893, C>G. VCF-style: chr2-240868893-C-G. GRCh37 (hg19) VCF-style: chr2-241808310-C-G.
Other names: short protein forms P10A.
Identifiers: ClinVar variation 383367 (VCV000383367.3), dbSNP rs180177191, ClinGen allele CA2208964.

ClinVar aggregate classification (germline): Uncertain significance. Review status: criteria provided, single submitter (1 of 4 stars). 2 submissions from 2 submitters: Uncertain significance (1). 1 of the submissions does not count toward it. Last evaluated 2016-02-13.

Conditions:
Primary hyperoxaluria, type I (HP1). Also called: Primary hyperoxaluria type 1; OXALOSIS I; GLYCOLIC ACIDURIA; HEPATIC AGT DEFICIENCY. Identifiers: Orphanet 416, Orphanet 93598, MedGen C0268164, MONDO:0009823, OMIM 259900. Disease mechanism: loss of function.

Allele frequency attached by ClinVar (database versions not stated): TOPMed 0.00002; ESP Exome Variant Server 0.00008.

Submissions (2):

GeneDx
Classification: Uncertain significance. Last evaluated: 2016-02-13. Review status: criteria provided, single submitter. Criteria: GeneDx Variant Classification (06012015). Collection method: clinical testing. Allele origin: germline. Affected: yes.
Comment: The P10A variant in the AGXT gene has not been reported previously as a pathogenic variant, nor as a benign variant, to our knowledge. The P10A variant was not observed with any significant frequency in approximately 6500 individuals of European and African American ancestry in the NHLBI Exome Sequencing Project, indicating it is not a common benign variant in these populations. The P10A variant is a semi-conservative amino acid substitution, which may impact secondary protein structure as these residues differ in some properties. This substitution occurs at a position that is conserved across species. However, in silico analysis is inconsistent in its predictions as to whether or not the variant is damaging to the protein structure/function. Additionally, missense variants in nearby residues (T9N and P11R) have been reported in the Human Gene Mutation Database in association with PH1 (Stenson et al., 2014), supporting the functional importance of this region of the protein. We interpret P10A as a variant of uncertain significance.

Natera, Inc.
Classification: Uncertain significance for Primary hyperoxaluria type I. Last evaluated: 2020-09-25. Review status: no assertion criteria provided. Collection method: clinical testing. Allele origin: germline. Not counted in ClinVar's aggregate classification.